The following is an entry in ClinVar:

NM_001353921.2(ARHGEF9):c.31C>A (p.Leu11Met)

Gene: ARHGEF9 (Cdc42 guanine nucleotide exchange factor 9; minus strand). Cytogenetic location: Xq11.1.
Variant type: single nucleotide variant.
Coding change: c.31C>A on transcript NM_001353921.2 (MANE Select); coding-DNA position 31, C replaced by A.
Protein change: p.Leu11Met; replaces leucine 11 with methionine.
Molecular consequence: missense variant. On other transcripts: 5 prime UTR variant (13), intron variant (6).
Genome position (GRCh38, 1-based): chrX:63,724,711, G>T on the plus strand (C>A on the coding strand, the complement: ARHGEF9 is on the minus strand). VCF-style: chrX-63724711-G-T. GRCh37 (hg19) VCF-style: chrX-62944591-G-T.
Other names: c.49C>A, p.Leu17Met (NM_001353923.1); c.-54C>A (NM_001353927.2, NM_001369033.1, NM_001369034.1 and 8 more transcripts); c.10-18262C>A (NM_001353926.2, NM_001353924.2, NM_001369040.1 and 1 more transcripts); c.10C>A, p.Leu4Met (NM_001369032.1, NM_015185.3, NM_001353928.2 and 2 more transcripts); c.-433C>A (NM_001369042.1); c.-673C>A (NM_001369045.1); c.31-18262C>A (NM_001173479.2); c.-117-18262C>A (NM_001173480.2); and 1 more; short protein forms L11M, L4M, L17M.
Identifiers: ClinVar variation 842147 (VCV000842147.10), dbSNP rs2053850779, ClinGen allele CA413404610.

ClinVar aggregate classification (germline): Uncertain significance (1 of 4 stars; one submission).

Conditions:
Developmental and epileptic encephalopathy, 8 (DEE8). Also called: HYPEREKPLEXIA AND EPILEPSY. Identifiers: Orphanet 163985, Orphanet 2076, MedGen C1845102, MONDO:0010375, OMIM 300607.

Submission:

Labcorp Genetics (formerly Invitae), Labcorp
Classification: Uncertain significance for Developmental and epileptic encephalopathy, 8. Last evaluated: 2020-01-21. Review status: criteria provided, single submitter. Criteria: Invitae Variant Classification Sherloc (09022015). Collection method: clinical testing. Allele origin: germline.
Comment: In summary, the available evidence is currently insufficient to determine the role of this variant in disease. Therefore, it has been classified as a Variant of Uncertain Significance. Algorithms developed to predict the effect of missense changes on protein structure and function are either unavailable or do not agree on the potential impact of this missense change (SIFT: "Deleterious"; PolyPhen-2: "Probably Damaging"; Align-GVGD: "Class C0"). This variant has not been reported in the literature in individuals with ARHGEF9-related conditions. This variant is not present in population databases (ExAC no frequency). This sequence change replaces leucine with methionine at codon 4 of the ARHGEF9 protein (p.Leu4Met). The leucine residue is moderately conserved and there is a small physicochemical difference between leucine and methionine.